The following is an entry in ClinVar:

NM_004174.4(SLC9A3):c.1246G>A (p.Gly416Arg)

Gene: SLC9A3 (solute carrier family 9 member A3). Cytogenetic location: 5p15.33.
Variant type: single nucleotide variant.
Coding change: c.1246G>A on transcript NM_004174.4 (MANE Select); coding-DNA position 1246, G replaced by A.
Protein change: p.Gly416Arg; replaces glycine 416 with arginine.
Molecular consequence: missense variant.
Genome position (GRCh38, 1-based): chr5:482,658, C>T on the plus strand (G>A on the coding strand, the complement: SLC9A3 is on the minus strand). VCF-style: chr5-482658-C-T. GRCh37 (hg19) VCF-style: chr5-482773-C-T.
Other names: c.1246G>A, p.Gly416Arg (NM_001284351.3); short protein forms G416R.
Identifiers: ClinVar variation 1923093 (VCV001923093.5), dbSNP rs2477584098, ClinGen allele CA359027395.

ClinVar aggregate classification (germline): Uncertain significance (1 of 4 stars; one submission).

Allele frequency attached by ClinVar (database versions not stated): gnomAD exomes 0.00001.

Submission:

Labcorp Genetics (formerly Invitae), Labcorp
Classification: Uncertain significance. Last evaluated: 2022-06-12. Review status: criteria provided, single submitter. Criteria: Invitae Variant Classification Sherloc (09022015). Collection method: clinical testing. Allele origin: germline.
Comment: This sequence change replaces glycine, which is neutral and non-polar, with arginine, which is basic and polar, at codon 416 of the SLC9A3 protein (p.Gly416Arg). This variant is not present in population databases (gnomAD no frequency). Algorithms developed to predict the effect of missense changes on protein structure and function are either unavailable or do not agree on the potential impact of this missense change (SIFT: "Not Available"; PolyPhen-2: "Probably Damaging"; Align-GVGD: "Not Available"). This variant has not been reported in the literature in individuals affected with SLC9A3-related conditions. In summary, the available evidence is currently insufficient to determine the role of this variant in disease. Therefore, it has been classified as a Variant of Uncertain Significance.